The following is an entry in ClinVar:

ClinVar aggregate classification (germline): Uncertain significance (1 of 4 stars; one submission).

Conditions:
Glycine encephalopathy. Also called: Nonketotic hyperglycinemia; Non-ketotic hyperglycinemia. Identifiers: Orphanet 407, MedGen C0751748, MONDO:0011612, HP:0008288.

Allele frequency attached by ClinVar (database versions not stated): gnomAD exomes 0.00001.
gnomAD v4.1: 9 of 1,613,464 alleles (0.00056%); highest among the groups gnomAD compares: Non-Finnish European, 0.00068%; no homozygotes.

Submission:

Labcorp Genetics (formerly Invitae), Labcorp
Classification: Uncertain significance for Glycine encephalopathy. Last evaluated: 2022-08-11. Review status: criteria provided, single submitter. Criteria: Invitae Variant Classification Sherloc (09022015). Collection method: clinical testing. Allele origin: germline.
Comment: This sequence change replaces alanine, which is neutral and non-polar, with threonine, which is neutral and polar, at codon 97 of the GLDC protein (p.Ala97Thr). This variant is not present in population databases (gnomAD no frequency). This variant has not been reported in the literature in individuals affected with GLDC-related conditions. ClinVar contains an entry for this variant (Variation ID: 1511144). Advanced modeling of protein sequence and biophysical properties (such as structural, functional, and spatial information, amino acid conservation, physicochemical variation, residue mobility, and thermodynamic stability) performed at Invitae indicates that this missense variant is not expected to disrupt GLDC protein function. In summary, the available evidence is currently insufficient to determine the role of this variant in disease. Therefore, it has been classified as a Variant of Uncertain Significance.

NM_000170.3(GLDC):c.289G>A (p.Ala97Thr)

Gene: GLDC (glycine decarboxylase; minus strand). Cytogenetic location: 9p24.1.
Variant type: single nucleotide variant.
Coding change: c.289G>A on transcript NM_000170.3 (MANE Select); coding-DNA position 289, G replaced by A.
Protein change: p.Ala97Thr; replaces alanine 97 with threonine.
Molecular consequence: missense variant.
Genome position (GRCh38, 1-based): chr9:6,644,659, C>T on the plus strand (G>A on the coding strand, the complement: GLDC is on the minus strand). VCF-style: chr9-6644659-C-T. GRCh37 (hg19) VCF-style: chr9-6644659-C-T.
Other names: short protein forms A97T.
Identifiers: ClinVar variation 1511144 (VCV001511144.3), dbSNP rs1587989978, ClinGen allele CA372885776.